The following is an entry in ClinVar:

NM_003571.4(BFSP2):c.1100T>G (p.Val367Gly)

Genes: BFSP2-AS1 (BFSP2 antisense RNA 1; minus strand), BFSP2 (beaded filament structural protein 2; plus strand). Cytogenetic location: 3q22.1.
Variant type: single nucleotide variant.
Coding change: c.1100T>G on transcript NM_003571.4 (MANE Select); coding-DNA position 1100, T replaced by G.
Protein change: p.Val367Gly; replaces valine 367 with glycine.
Molecular consequence: missense variant.
Genome position (GRCh38, 1-based): chr3:133,472,421, T>G. VCF-style: chr3-133472421-T-G. GRCh37 (hg19) VCF-style: chr3-133191265-T-G.
Other names: c.1100T>G (NM_003571.2); short protein forms V367G.
Identifiers: ClinVar variation 1470513 (VCV001470513.9), dbSNP rs144693104, ClinGen allele CA83629393.

ClinVar aggregate classification (germline): Uncertain significance. Review status: criteria provided, multiple submitters, no conflicts (2 of 4 stars). 2 submissions from 2 submitters: Uncertain significance (2). Last evaluated 2025-10-02.

Conditions:
Cataract 12 multiple types. Identifiers: Orphanet 91492, MedGen C3808115, MONDO:0012701, OMIM 611597.

Allele frequency attached by ClinVar (database versions not stated): ESP Exome Variant Server 0.00008.
gnomAD v4.1: 5 of 1,614,106 alleles (0.00031%); highest among the groups gnomAD compares: Non-Finnish European, 0.00042%; no homozygotes.

Submissions (2):

Ambry Genetics
Classification: Uncertain significance. Last evaluated: 2025-10-02. Review status: criteria provided, single submitter. Criteria: Ambry Variant Classification Scheme 2023. Collection method: clinical testing. Allele origin: germline.

Labcorp Genetics (formerly Invitae), Labcorp
Classification: Uncertain significance for Cataract 12 multiple types. Last evaluated: 2022-11-22. Review status: criteria provided, single submitter. Criteria: Invitae Variant Classification Sherloc (09022015). Collection method: clinical testing. Allele origin: germline.
Comment: Advanced modeling of protein sequence and biophysical properties (such as structural, functional, and spatial information, amino acid conservation, physicochemical variation, residue mobility, and thermodynamic stability) has been performed at Invitae for this missense variant, however the output from this modeling did not meet the statistical confidence thresholds required to predict the impact of this variant on BFSP2 protein function. In summary, the available evidence is currently insufficient to determine the role of this variant in disease. Therefore, it has been classified as a Variant of Uncertain Significance. ClinVar contains an entry for this variant (Variation ID: 1470513). This variant has not been reported in the literature in individuals affected with BFSP2-related conditions. This variant is not present in population databases (gnomAD no frequency). This sequence change replaces valine, which is neutral and non-polar, with glycine, which is neutral and non-polar, at codon 367 of the BFSP2 protein (p.Val367Gly).